The following is an entry in ClinVar:

NM_199420.4(POLQ):c.1614A>G (p.Ile538Met)

Gene: POLQ (DNA polymerase theta; minus strand). Cytogenetic location: 3q13.33.
Variant type: single nucleotide variant.
Coding change: c.1614A>G on transcript NM_199420.4 (MANE Select); coding-DNA position 1614, A replaced by G.
Protein change: p.Ile538Met; replaces isoleucine 538 with methionine.
Molecular consequence: missense variant.
Genome position (GRCh38, 1-based): chr3:121,510,241, T>C on the plus strand (A>G on the coding strand, the complement: POLQ is on the minus strand). VCF-style: chr3-121510241-T-C. GRCh37 (hg19) VCF-style: chr3-121229088-T-C.
Other names: short protein forms I538M.
Identifiers: ClinVar variation 3229847 (VCV003229847.1), dbSNP rs774822810, ClinGen allele CA2563481.
Genomic context (GRCh38, chr3:121,510,241, plus strand): 5'-AAATGTGCAGGCAGCATAAGTATGCATATCTTGTGATGTACTTGCCACTCCACCAACTAT[T>C]ATCTGAAAGAAGATATTTGGAAATTTCTGTAGCTTTTTAAGAAAACATGCAAGCCACCGG-3'
Protein context (NP_955452.3, residues 528-548): TGSMIRAILE[Ile538Met]IVGGVASTSQ

ClinVar aggregate classification (germline): Uncertain significance (1 of 4 stars; one submission).

Allele frequency attached by ClinVar (database versions not stated): ExAC 0.00001.

Submission:

Ambry Genetics
Classification: Uncertain significance. Last evaluated: 2023-12-16. Review status: criteria provided, single submitter. Criteria: Ambry Variant Classification Scheme 2023. Collection method: clinical testing. Allele origin: germline.
Comment: The p.I538M variant (also known as c.1614A>G), located in coding exon 11 of the POLQ gene, results from an A to G substitution at nucleotide position 1614. The isoleucine at codon 538 is replaced by methionine, an amino acid with highly similar properties. This amino acid position is conserved. In addition, this alteration is predicted to be tolerated by in silico analysis. Since supporting evidence is limited at this time, the clinical significance of this alteration remains unclear.